The following is an entry in ClinVar:

NM_016604.4(KDM3B):c.2440_2441delinsTA (p.Thr814Tyr)

Gene: KDM3B (lysine demethylase 3B; plus strand). Cytogenetic location: 5q31.2.
Variant type: Indel.
Coding change: c.2440_2441delinsTA on transcript NM_016604.4 (MANE Select); coding-DNA positions 2440 to 2441, AC replaced by TA.
Protein change: p.Thr814Tyr; replaces threonine 814 with tyrosine.
Molecular consequence: missense variant.
Genome position (GRCh38, 1-based): chr5:138,392,072-138,392,073, AC replaced by TA. VCF-style: chr5-138392072-AC-TA. GRCh37 (hg19) VCF-style: chr5-137727761-AC-TA.
Other names: short protein forms T814Y.
Identifiers: ClinVar variation 2505201 (VCV002505201.1), dbSNP rs2480212852, ClinGen allele CA2580613670.

ClinVar aggregate classification (germline): Uncertain significance (1 of 4 stars; one submission).

Submission:

Greenwood Genetic Center Diagnostic Laboratories, Greenwood Genetic Center
Classification: Uncertain significance. Last evaluated: 2023-03-08. Review status: criteria provided, single submitter. Criteria: ACMG Guidelines, 2015. Collection method: clinical testing. Allele origin: germline. Affected: yes.
Comment: PM2, PP2, PP3